The following is an entry in ClinVar:

NM_005560.6(LAMA5):c.7132G>A (p.Glu2378Lys)

Gene: LAMA5 (laminin subunit alpha 5; minus strand). Cytogenetic location: 20q13.33.
Variant type: single nucleotide variant.
Coding change: c.7132G>A on transcript NM_005560.6 (MANE Select); coding-DNA position 7132, G replaced by A.
Protein change: p.Glu2378Lys; replaces glutamic acid 2378 with lysine.
Molecular consequence: missense variant.
Genome position (GRCh38, 1-based): chr20:62,318,561, C>T on the plus strand (G>A on the coding strand, the complement: LAMA5 is on the minus strand). VCF-style: chr20-62318561-C-T. GRCh37 (hg19) VCF-style: chr20-60893617-C-T.
Other names: short protein forms E2378K.
Identifiers: ClinVar variation 423670 (VCV000423670.5), dbSNP rs763121557, ClinGen allele CA9941409.

ClinVar aggregate classification (germline): Uncertain significance. Review status: criteria provided, multiple submitters, no conflicts (2 of 4 stars). 2 submissions from 2 submitters: Uncertain significance (2). Last evaluated 2025-04-15.

Allele frequency attached by ClinVar (database versions not stated): gnomAD 0.00005 and 0.00006; TOPMed 0.00005.
gnomAD v4.1: 106 of 1,610,178 alleles (0.0066%); highest among the groups gnomAD compares: Non-Finnish European, 0.0079%; no homozygotes.

Submissions (2):

Labcorp Genetics (formerly Invitae), Labcorp
Classification: Uncertain significance. Last evaluated: 2025-04-15. Review status: criteria provided, single submitter. Criteria: Invitae Variant Classification Sherloc (09022015). Collection method: clinical testing. Allele origin: germline.
Comment: This sequence change replaces glutamic acid, which is acidic and polar, with lysine, which is basic and polar, at codon 2378 of the LAMA5 protein (p.Glu2378Lys). This variant is present in population databases (rs763121557, gnomAD 0.02%). This variant has not been reported in the literature in individuals affected with LAMA5-related conditions. ClinVar contains an entry for this variant (Variation ID: 423670). Invitae Evidence Modeling of protein sequence and biophysical properties (such as structural, functional, and spatial information, amino acid conservation, physicochemical variation, residue mobility, and thermodynamic stability) indicates that this missense variant is expected to disrupt LAMA5 protein function with a positive predictive value of 80%. In summary, the available evidence is currently insufficient to determine the role of this variant in disease. Therefore, it has been classified as a Variant of Uncertain Significance.

GeneDx
Classification: Uncertain significance. Last evaluated: 2017-02-28. Review status: criteria provided, single submitter. Criteria: GeneDx Variant Classification (06012015). Collection method: clinical testing. Allele origin: germline. Affected: yes.
Comment: The E2378K variant in the LAMA5 gene has not been reported previously as a pathogenic variant, nor as a benign variant, to our knowledge. The E2378Kvariant is not observed at a significant frequency in large population cohorts (Lek et al., 2016; 1000 Genomes Consortium et al., 2015; Exome Variant Server). The E2378K variant is a non-conservative amino acid substitution, which is likely to impact secondary protein structure as these residues differ in polarity, charge, size and/or other properties. However, this substitution occurs at a position that is not conserved, and in silico analysis is inconsistent in its predictions as to whether or not the variant is damaging to the protein structure/function. We interpret E2378K as a variant of uncertain significance.